The following is an entry in ClinVar:

NM_000414.4(HSD17B4):c.293A>G (p.Asn98Ser)

Gene: HSD17B4 (hydroxysteroid 17-beta dehydrogenase 4; plus strand). Cytogenetic location: 5q23.1.
Variant type: single nucleotide variant.
Coding change: c.293A>G on transcript NM_000414.4 (MANE Select); coding-DNA position 293, A replaced by G.
Protein change: p.Asn98Ser; replaces asparagine 98 with serine.
Molecular consequence: missense variant. On other transcripts: 5 prime UTR variant (5), non-coding transcript variant (2).
Genome position (GRCh38, 1-based): chr5:119,475,718, A>G. VCF-style: chr5-119475718-A-G. GRCh37 (hg19) VCF-style: chr5-118811413-A-G.
Other names: c.368A>G, p.Asn123Ser (NM_001199291.3); c.239A>G, p.Asn80Ser (NM_001199292.2); c.221A>G, p.Asn74Ser (NM_001292027.2); c.-119A>G (NM_001292028.2, NM_001374501.1, NM_001374502.1 and 1 more transcripts); c.293A>G, p.Asn98Ser (NM_001374497.1, NM_001374498.1); c.13A>G, p.Thr5Ala (NM_001374499.1); c.-246A>G (NM_001374500.1); c.293A>G (NM_000414.3); short protein forms N74S, N98S, N123S, N80S, T5A.
Identifiers: ClinVar variation 1459118 (VCV001459118.11), dbSNP rs1392361503, ClinGen allele CA360864886.

ClinVar aggregate classification (germline): Conflicting classifications of pathogenicity. Review status: criteria provided, conflicting classifications (1 of 4 stars). 3 submissions from 3 submitters: Pathogenic (1); Likely pathogenic (1); Uncertain significance (1). Last evaluated 2025-04-22.

Conditions:
Bifunctional peroxisomal enzyme deficiency (DBIF). Also called: PBFE DEFICIENCY; D-bifunctional protein deficiency; DBP DEFICIENCY. Identifiers: Orphanet 300, MedGen C0342870, MONDO:0009855, OMIM 261515. Disease mechanism: loss of function.
Perrault syndrome. Also called: Gonadal dysgenesis with auditory dysfunction, autosomal recessive inheritance. Identifiers: Orphanet 2855, MedGen C0685838, MONDO:0017312.

Allele frequency attached by ClinVar (database versions not stated): gnomAD exomes below 0.00001.
gnomAD v4.1: 3 of 1,599,152 alleles (0.00019%); highest among the groups gnomAD compares: Non-Finnish European, 0.00026%; no homozygotes.

Submissions (3):

Women's Health and Genetics/Laboratory Corporation of America, LabCorp
Classification: Uncertain significance. Last evaluated: 2025-04-22. Review status: criteria provided, single submitter. Criteria: LabCorp Variant Classification Summary - May 2015. Collection method: clinical testing. Allele origin: germline.
Comment: Variant summary: HSD17B4 c.293A>G (p.Asn98Ser) results in a conservative amino acid change in the encoded protein sequence. Four of five in-silico tools predict a damaging effect of the variant on protein function. The variant allele was found at a frequency of 4e-06 in 250698 control chromosomes. c.293A>G has been observed in individual(s) affected with D-Bifunctional Protein Deficiency (Amor_2016) and segregates with disease. These data indicate that the variant may be associated with disease. To our knowledge, no experimental evidence demonstrating an impact on protein function has been reported. The following publication have been ascertained in the context of this evaluation (PMID: 27790638). ClinVar contains an entry for this variant (Variation ID: 1459118). Based on the evidence outlined above, the variant was classified as VUS-possibly pathogenic.

Natera, Inc.
Classification: Likely pathogenic for Bifunctional peroxisomal enzyme deficiency. Last evaluated: 2025-03-03. Review status: criteria provided, single submitter. Criteria: Natera Variant Classification Schema (03/2026). Collection method: clinical testing. Allele origin: germline.
Comment: The c.293A>G variant in HSD17B4 is a missense variant predicted to cause substitution of asparagine to serine at amino acid 98. This variant is rare in the general population with a frequency below the threshold expected for the associated phenotype(s). This variant has been observed in one or more individuals affected with the associated recessive disease, as either homozygous or compound heterozygous with a second variant (PMID: 27790638). This variant has been observed to segregate in affected family members (PMID: 27790638). Computational prediction algorithms indicate this variant is likely to affect gene or protein function. Given the available evidence, this variant is classified as Likely Pathogenic.

Labcorp Genetics (formerly Invitae), Labcorp
Classification: Pathogenic for Perrault syndrome; Bifunctional peroxisomal enzyme deficiency. Last evaluated: 2021-05-25. Review status: criteria provided, single submitter. Criteria: Invitae Variant Classification Sherloc (09022015). Collection method: clinical testing. Allele origin: germline.
Comment: For these reasons, this variant has been classified as Pathogenic. Advanced modeling of protein sequence and biophysical properties (such as structural, functional, and spatial information, amino acid conservation, physicochemical variation, residue mobility, and thermodynamic stability) performed at Invitae indicates that this missense variant is expected to disrupt HSD17B4 protein function. This variant has been observed in individual(s) with clinical features of Perrault syndrome (PMID: 27790638). It has also been observed to segregate with disease in related individuals. This variant is not present in population databases (ExAC no frequency). This sequence change replaces asparagine with serine at codon 98 of the HSD17B4 protein (p.Asn98Ser). The asparagine residue is highly conserved and there is a small physicochemical difference between asparagine and serine.

Literature cited by the submitters: PubMed 27790638 (cited by 3 submitters).